The following is an entry in ClinVar:

NM_013436.5(NCKAP1):c.109-1076G>A

Gene: NCKAP1 (NCK associated protein 1; minus strand). Cytogenetic location: 2q32.1.
Variant type: single nucleotide variant.
Coding change: c.109-1076G>A on transcript NM_013436.5 (MANE Select); 1076 bases into the intron before coding-DNA position 109, G replaced by A.
Molecular consequence: intron variant. On other transcripts: missense variant (1).
Genome position (GRCh38, 1-based): chr2:183,024,992, C>T on the plus strand (G>A on the coding strand, the complement: NCKAP1 is on the minus strand). VCF-style: chr2-183024992-C-T. GRCh37 (hg19) VCF-style: chr2-183889720-C-T.
Other names: c.112G>A, p.Gly38Arg (NM_205842.3); short protein forms G38R.
Identifiers: ClinVar variation 1703973 (VCV001703973.2), dbSNP rs2468725144, ClinGen allele CA349756870.
Genomic context (GRCh38, chr2:183,024,992, plus strand): 5'-TGAAAGCGGGCAAGCGGGCAGAGGGAAGGTGAAAAGCTTTGCAAACCTTCCAAACTTGTC[C>T]TTGCTGGGGAAGCATTGTAATAAAAAGAGAGAAAATTACGTGTAAACAATGATTGTCAAA-3'

ClinVar aggregate classification (germline): Uncertain significance (1 of 4 stars; one submission).

Submission:

GeneDx
Classification: Uncertain significance. Last evaluated: 2022-03-01. Review status: criteria provided, single submitter. Criteria: GeneDx Variant Classification Process June 2021. Collection method: clinical testing. Allele origin: germline. Affected: yes.
Comment: Not observed at significant frequency in large population cohorts (gnomAD); In silico analysis supports that this missense variant does not alter protein structure/function; Has not been previously published as pathogenic or benign to our knowledge